The following is an entry in ClinVar:

ClinVar aggregate classification (germline): Likely benign. Review status: criteria provided, multiple submitters, no conflicts (2 of 4 stars). 2 submissions from 2 submitters: Likely benign (2). Last evaluated 2026-01-24.

Conditions:
Wilson disease (WND). Also called: Wilson's disease. Identifiers: Orphanet 905, MedGen C0019202, MONDO:0010200, OMIM 277900. Disease mechanism: loss of function.

Allele frequency attached by ClinVar (database versions not stated): TOPMed 0.00001.

Submissions (2):

Labcorp Genetics (formerly Invitae), Labcorp
Classification: Likely benign for Wilson disease. Last evaluated: 2026-01-24. Review status: criteria provided, single submitter. Criteria: Invitae Variant Classification Sherloc (09022015). Collection method: clinical testing. Allele origin: germline.

All of Us Research Program, National Institutes of Health
Classification: Likely benign for Wilson disease. Last evaluated: 2024-05-30. Review status: criteria provided, single submitter. Criteria: ACMG Guidelines, 2015. Collection method: clinical testing. Allele origin: germline. Inheritance: Autosomal recessive inheritance. Observed: 1 variant allele, 1 heterozygote.
Comment: This study involves interpretation of variants in research participants for the purpose of population health screening. Participant phenotype was not available at the time of variant classification. Additional details can be found in publication PMID: 35346344, PMCID: PMC8962531

NM_000053.4(ATP7B):c.1286-14A>G

Gene: ATP7B (ATPase copper transporting beta; minus strand). Cytogenetic location: 13q14.3.
Variant type: single nucleotide variant.
Coding change: c.1286-14A>G on transcript NM_000053.4 (MANE Select); 14 bases into the intron before coding-DNA position 1286, A replaced by G.
Molecular consequence: intron variant.
Genome position (GRCh38, 1-based): chr13:51,970,763, T>C on the plus strand (A>G on the coding strand, the complement: ATP7B is on the minus strand). VCF-style: chr13-51970763-T-C. GRCh37 (hg19) VCF-style: chr13-52544899-T-C.
Other names: c.1286-14A>G (NM_001406541.1, NM_001406531.1, NM_001406527.1 and 28 more transcripts); c.1190-14A>G (NM_001406543.1, NM_001406518.1, NM_001406544.1 and 3 more transcripts); c.953-14A>G (NM_001243182.2); c.1285+3172A>G (NM_001406548.1); c.857-14A>G (NM_001406539.1).
Identifiers: ClinVar variation 2843962 (VCV002843962.4), dbSNP rs1951800829, ClinGen allele CA2091553146.